The following is an entry in ClinVar:

ClinVar aggregate classification (germline): Pathogenic/Likely pathogenic. Review status: criteria provided, multiple submitters, no conflicts (2 of 4 stars). 5 submissions from 5 submitters: Pathogenic (3); Likely pathogenic (1). 1 of the submissions does not count toward it. Last evaluated 2025-03-23.

Conditions:
Lynch syndrome 5 (LYNCH5). Also called: Hereditary non-polyposis colorectal cancer, type 5; Colorectal cancer, hereditary nonpolyposis, type 5. Identifiers: Orphanet 144, MedGen C1833477, MONDO:0013710, OMIM 614350. Disease mechanism: loss of function.
Hereditary cancer-predisposing syndrome. Also called: Hereditary Cancer Syndrome; Hereditary neoplastic syndrome; Neoplastic Syndromes, Hereditary; Tumor predisposition. Identifiers: Orphanet 140162, MedGen C0027672, MeSH D009386, MONDO:0015356.
Hereditary nonpolyposis colorectal neoplasms. Identifiers: MedGen C0009405, MeSH D003123.
Carcinoma of colon (CRC). Also called: Colonic carcinoma; Colon carcinoma. Identifiers: MedGen C0699790, MONDO:0002032.
Endometrial carcinoma. Also called: Endometrial carcinoma, somatic. Identifiers: MedGen C0476089, MONDO:0002447, OMIM 608089, HP:0012114.

Submissions (5):

Ambry Genetics
Classification: Pathogenic for Hereditary cancer-predisposing syndrome. Last evaluated: 2025-03-23. Review status: criteria provided, single submitter. Criteria: Ambry Variant Classification Scheme 2023. Collection method: clinical testing. Allele origin: germline.
Comment: The c.3151_3152dupGT pathogenic mutation, located in coding exon 4 of the MSH6 gene, results from a duplication of GT at nucleotide position 3151, causing a predicted alternate stop codon (p.E1052*). This alteration is expected to result in loss of function by premature protein truncation or nonsense-mediated mRNA decay. As such, this alteration is interpreted as a disease-causing mutation.

Labcorp Genetics (formerly Invitae), Labcorp
Classification: Pathogenic for Hereditary nonpolyposis colorectal neoplasms. Last evaluated: 2023-08-30. Review status: criteria provided, single submitter. Criteria: Invitae Variant Classification Sherloc (09022015). Collection method: clinical testing. Allele origin: germline.
Comment: For these reasons, this variant has been classified as Pathogenic. This sequence change creates a premature translational stop signal (p.Glu1052*) in the MSH6 gene. It is expected to result in an absent or disrupted protein product. Loss-of-function variants in MSH6 are known to be pathogenic (PMID: 18269114, 24362816). This variant is not present in population databases (gnomAD no frequency). This variant has not been reported in the literature in individuals affected with MSH6-related conditions. ClinVar contains an entry for this variant (Variation ID: 823006).

Myriad Genetics, Inc.
Classification: Pathogenic for Lynch syndrome 5. Last evaluated: 2023-08-22. Review status: criteria provided, single submitter. Criteria: Myriad Autosomal Dominant, Autosomal Recessive and X-Linked Classification Criteria (2023). Collection method: clinical testing. Allele origin: unknown.
Comment: This variant is considered pathogenic. This variant creates a termination codon and is predicted to result in premature protein truncation.

Baylor Genetics
Classification: Likely pathogenic for Endometrial carcinoma. Last evaluated: 2021-02-09. Review status: criteria provided, single submitter. Criteria: ACMG Guidelines, 2015. Collection method: clinical testing. Allele origin: unknown.

Department of Pathology and Laboratory Medicine, Sinai Health System
Classification: Uncertain significance for Carcinoma of colon. Review status: no assertion criteria provided. Collection method: clinical testing. Allele origin: unknown. Affected: yes. Observed: 1 variant allele. Study: The Canadian Open Genetics Repository (COGR). Not counted in ClinVar's aggregate classification.

Literature cited by the submitters: PubMed 18269114 (cited by Labcorp Genetics (formerly Invitae), Labcorp); PubMed 24362816 (cited by Labcorp Genetics (formerly Invitae), Labcorp).

NM_000179.3(MSH6):c.3151_3152dup (p.Val1051_Glu1052insTer)

Gene: MSH6 (mutS homolog 6; plus strand). Cytogenetic location: 2p16.3.
Variant type: Duplication.
Coding change: c.3151_3152dup on transcript NM_000179.3 (MANE Select); coding-DNA positions 3151 to 3152, 2 bases duplicated (GT; older notation c.3151_3152dupGT).
Protein change: p.Val1051_Glu1052insTer.
Molecular consequence: frameshift variant.
Genome position (GRCh38, 1-based): chr2:47,801,134-47,801,135, GT duplicated; duplicating any 2 consecutive bases within chr2:47,801,133-47,801,135 gives the same sequence; the c. name uses the placement nearest the transcript's 3' end. VCF-style (leftmost placement, unchanged base first): chr2-47801132-C-CTG. GRCh37 (hg19) VCF-style: chr2-48028271-C-CTG.
Other names: c.2761_2762dup, p.Val921_Glu922insTer (NM_001281492.2); c.2245_2246dup, p.Val749_Glu750insTer (NM_001281493.2, NM_001281494.2).
Identifiers: ClinVar variation 823006 (VCV000823006.14), dbSNP rs1175196087, ClinGen allele CA769517124.